The following is an entry in ClinVar:

NM_001163560.3(MEIOB):c.831G>A (p.Thr277=)

Gene: MEIOB (meiosis specific with OB-fold; minus strand). Cytogenetic location: 16p13.3.
Variant type: single nucleotide variant.
Coding change: c.831G>A on transcript NM_001163560.3 (MANE Select); coding-DNA position 831, G replaced by A.
Protein change: p.Thr277=; no amino-acid change (threonine 277 retained).
Molecular consequence: synonymous variant.
Genome position (GRCh38, 1-based): chr16:1,844,911, C>T on the plus strand (G>A on the coding strand, the complement: MEIOB is on the minus strand). VCF-style: chr16-1844911-C-T. GRCh37 (hg19) VCF-style: chr16-1894912-C-T.
Other names: c.831G>A, p.Thr277= (NM_152764.3).
Identifiers: ClinVar variation 3060040 (VCV003060040.2), dbSNP rs9806826, ClinGen allele CA7821854.

ClinVar aggregate classification (germline): Benign (0 of 4 stars; one submission).

Conditions:
MEIOB-related disorder. Also called: MEIOB-related condition.

Allele frequency attached by ClinVar (database versions not stated): ESP Exome Variant Server 0.30307; TOPMed 0.31296; gnomAD 0.32628; ExAC 0.33818; 1000 Genomes Project 30x 0.36758; 1000 Genomes Project 0.37021.
gnomAD v4.1: 456,537 of 1,526,526 alleles (30%); highest among the groups gnomAD compares: East Asian, 47%; 72,307 homozygotes.

Submission:

PreventionGenetics, part of Exact Sciences
Classification: Benign for MEIOB-related condition. Last evaluated: 2019-10-22. Review status: no assertion criteria provided. Collection method: clinical testing. Allele origin: germline.
Comment: This variant is classified as benign based on ACMG/AMP sequence variant interpretation guidelines (Richards et al. 2015 PMID: 25741868, with internal and published modifications).